The following is an entry in ClinVar:

ClinVar aggregate classification (germline): Pathogenic. Review status: reviewed by expert panel (3 of 4 stars). 3 submissions from 3 submitters: Pathogenic (1). 2 of the submissions do not count toward it. Last evaluated 2017-12-15.

Conditions:
Hereditary cancer-predisposing syndrome. Also called: Tumor predisposition; Neoplastic Syndromes, Hereditary; Hereditary neoplastic syndrome; Hereditary Cancer Syndrome. Identifiers: Orphanet 140162, MedGen C0027672, MeSH D009386, MONDO:0015356.
Breast-ovarian cancer, familial, susceptibility to, 2 (BROVCA2). Also called: BRCA2 Hereditary Breast and Ovarian Cancer. Identifiers: Orphanet 145, MedGen C2675520, MONDO:0012933, OMIM 612555. Disease mechanism: loss of function.

Submissions (3):

Evidence-based Network for the Interpretation of Germline Mutant Alleles (ENIGMA)
Classification: Pathogenic for Breast-ovarian cancer, familial, susceptibility to, 2. Last evaluated: 2017-12-15. Review status: reviewed by expert panel. Criteria: ENIGMA BRCA1/2 Classification Criteria (2017-06-29). Collection method: curation. Allele origin: germline. Study: ENIGMA.
Comment: Variant allele predicted to encode a truncated non-functional protein.

Ambry Genetics
Classification: Pathogenic for Hereditary cancer-predisposing syndrome. Last evaluated: 2023-10-26. Review status: criteria provided, single submitter. Criteria: Ambry Variant Classification Scheme 2023. Collection method: clinical testing. Allele origin: germline. Not counted in ClinVar's aggregate classification.
Comment: The p.W395* pathogenic mutation (also known as c.1185G>A), located in coding exon 9 of the BRCA2 gene, results from a G to A substitution at nucleotide position 1185. This changes the amino acid from a tryptophan to a stop codon within coding exon 9. This alteration is expected to result in loss of function by premature protein truncation or nonsense-mediated mRNA decay. As such, this alteration is interpreted as a disease-causing mutation.

GeneDx
Classification: Pathogenic. Last evaluated: 2023-07-10. Review status: criteria provided, single submitter. Criteria: GeneDx Variant Classification Process June 2021. Collection method: clinical testing. Allele origin: germline. Affected: yes. Not counted in ClinVar's aggregate classification.
Comment: Nonsense variant predicted to result in protein truncation or nonsense mediated decay in a gene for which loss of function is a known mechanism of disease; Truncating variants in this gene are considered pathogenic by a well-established clinical consortium and/or database; Not observed at significant frequency in large population cohorts (gnomAD); Identified in a tumor sample and estimated to be a germline variant in a patient with ovarian cancer (Yao et al., 2022); Also known as 1413G>A; This variant is associated with the following publications: (PMID: 32377563, 29884841, 35186721, 24549055)

NM_000059.4(BRCA2):c.1185G>A (p.Trp395Ter)

Gene: BRCA2 (BRCA2 DNA repair associated; plus strand). Cytogenetic location: 13q13.1.
Variant type: single nucleotide variant.
Coding change: c.1185G>A on transcript NM_000059.4 (MANE Select); coding-DNA position 1185, G replaced by A.
Protein change: p.Trp395Ter; replaces tryptophan 395 with a stop codon.
Molecular consequence: nonsense.
Genome position (GRCh38, 1-based): chr13:32,332,663, G>A. VCF-style: chr13-32332663-G-A. GRCh37 (hg19) VCF-style: chr13-32906800-G-A.
Other names: short protein forms W395*.
Identifiers: ClinVar variation 265053 (VCV000265053.4), dbSNP rs886039315, ClinGen allele CA10588559.